The following is an entry in ClinVar:

ClinVar aggregate classification (germline): Uncertain significance (1 of 4 stars; one submission).

Conditions:
Ectodermal dysplasia 10A, hypohidrotic/hair/nail type, autosomal dominant (ECTD10A). Also called: Ectodermal Dysplasia 3, Anhidrotic. Identifiers: Orphanet 1810, Orphanet 238468, MedGen C3888065, MONDO:0007509, OMIM 129490.
Autosomal recessive hypohidrotic ectodermal dysplasia syndrome. Also called: Autosomal recessive hypohidrotic ectodermal dysplasia. Identifiers: Orphanet 248, MedGen C0406702, MONDO:0016619.

Submission:

Labcorp Genetics (formerly Invitae), Labcorp
Classification: Uncertain significance for Ectodermal dysplasia 10A, hypohidrotic/hair/nail type, autosomal dominant; Autosomal recessive hypohidrotic ectodermal dysplasia syndrome. Last evaluated: 2025-02-20. Review status: criteria provided, single submitter. Criteria: Invitae Variant Classification Sherloc (09022015). Collection method: clinical testing. Allele origin: germline.
Comment: This sequence change replaces cysteine, which is neutral and slightly polar, with glycine, which is neutral and non-polar, at codon 337 of the EDAR protein (p.Cys337Gly). This variant is not present in population databases (gnomAD no frequency). This missense change has been observed in individual(s) with clinical features of EDAR-related conditions (internal data). Invitae Evidence Modeling of protein sequence and biophysical properties (such as structural, functional, and spatial information, amino acid conservation, physicochemical variation, residue mobility, and thermodynamic stability) indicates that this missense variant is expected to disrupt EDAR protein function with a positive predictive value of 80%. In summary, the available evidence is currently insufficient to determine the role of this variant in disease. Therefore, it has been classified as a Variant of Uncertain Significance.

NM_022336.4(EDAR):c.1009T>G (p.Cys337Gly)

Genes: EDAR (ectodysplasin A receptor; minus strand), RANBP2 (RAN binding protein 2; plus strand). Cytogenetic location: 2q13.
Variant type: single nucleotide variant.
Coding change: c.1009T>G on transcript NM_022336.4 (MANE Select); coding-DNA position 1009, T replaced by G.
Protein change: p.Cys337Gly; replaces cysteine 337 with glycine.
Molecular consequence: missense variant.
Genome position (GRCh38, 1-based): chr2:108,906,323, A>C on the plus strand (T>G on the coding strand, the complement: EDAR is on the minus strand). VCF-style: chr2-108906323-A-C. GRCh37 (hg19) VCF-style: chr2-109522779-A-C.
Other names: short protein forms C337G.
Identifiers: ClinVar variation 4782455 (VCV004782455.1).